The following is an entry in ClinVar:

NM_006329.4(FBLN5):c.882C>G (p.His294Gln)

Gene: FBLN5 (fibulin 5; minus strand). Cytogenetic location: 14q32.12.
Variant type: single nucleotide variant.
Coding change: c.882C>G on transcript NM_006329.4 (MANE Select); coding-DNA position 882, C replaced by G.
Protein change: p.His294Gln; replaces histidine 294 with glutamine.
Molecular consequence: missense variant.
Genome position (GRCh38, 1-based): chr14:91,881,399, G>C on the plus strand (C>G on the coding strand, the complement: FBLN5 is on the minus strand). VCF-style: chr14-91881399-G-C. GRCh37 (hg19) VCF-style: chr14-92347743-G-C.
Other names: c.1005C>G, p.His335Gln (NM_001384158.1); c.933C>G, p.His311Gln (NM_001384159.1); c.882C>G, p.His294Gln (NM_001384160.1); c.714C>G, p.His238Gln (NM_001384161.1, NM_001384162.1); short protein forms H238Q, H294Q, H311Q, H335Q.
Identifiers: ClinVar variation 1320534 (VCV001320534.2), dbSNP rs1889459169, ClinGen allele CA390642034.

ClinVar aggregate classification (germline): Uncertain significance (1 of 4 stars; one submission).

Submission:

GeneDx
Classification: Uncertain significance. Last evaluated: 2019-07-16. Review status: criteria provided, single submitter. Criteria: GeneDx Variant Classification Process June 2021. Collection method: clinical testing. Allele origin: germline. Affected: yes.
Comment: Not observed in large population cohorts (Lek et al., 2016); In silico analysis, which includes protein predictors and evolutionary conservation, supports that this variant does not alter protein structure/function; Has not been previously published as pathogenic or benign to our knowledge